The following is an entry in ClinVar:

ClinVar aggregate classification (germline): Uncertain significance (1 of 4 stars; one submission).

Conditions:
ACACB-related disorder. Also called: ACACB-related condition.

Submission:

PreventionGenetics, part of Exact Sciences
Classification: Uncertain significance for ACACB-related condition. Last evaluated: 2025-07-15. Review status: criteria provided, single submitter. Criteria: ACMG Guidelines, 2015. Collection method: clinical testing. Allele origin: germline.
Comment: The ACACB c.4226A>C variant is predicted to result in the amino acid substitution p.Glu1409Ala. To our knowledge, this variant has not been reported in the literature or in a large population database (gnomAD), indicating this variant is rare. At this time, the clinical significance of this variant is uncertain due to the absence of conclusive functional and genetic evidence.

NM_001093.4(ACACB):c.4226A>C (p.Glu1409Ala)

Gene: ACACB (acetyl-CoA carboxylase beta; plus strand). Cytogenetic location: 12q24.11.
Variant type: single nucleotide variant.
Coding change: c.4226A>C on transcript NM_001093.4 (MANE Select); coding-DNA position 4226, A replaced by C.
Protein change: p.Glu1409Ala; replaces glutamic acid 1409 with alanine.
Molecular consequence: missense variant.
Genome position (GRCh38, 1-based): chr12:109,233,834, A>C. VCF-style: chr12-109233834-A-C. GRCh37 (hg19) VCF-style: chr12-109671639-A-C.
Other names: c.4226A>C, p.Glu1409Ala (NM_001412734.1, NM_001412735.1); c.3620A>C, p.Glu1207Ala (NM_001412736.1, NM_001412739.1); c.3599A>C, p.Glu1200Ala (NM_001412737.1); c.3431A>C, p.Glu1144Ala (NM_001412738.1); short protein forms E1144A, E1409A, E1200A, E1207A.
Identifiers: ClinVar variation 4999578 (VCV004999578.1).